The following is an entry in ClinVar:

NM_052947.4(ALPK2):c.4150G>A (p.Asp1384Asn)

Genes: ALPK2 (alpha kinase 2; minus strand), LOC126862764 (BRD4-independent group 4 enhancer GRCh37_chr18:56202574-56203773; plus strand). Cytogenetic location: 18q21.31.
Variant type: single nucleotide variant.
Coding change: c.4150G>A on transcript NM_052947.4 (MANE Select); coding-DNA position 4150, G replaced by A.
Protein change: p.Asp1384Asn; replaces aspartic acid 1384 with asparagine.
Molecular consequence: missense variant.
Genome position (GRCh38, 1-based): chr18:58,536,037, C>T on the plus strand (G>A on the coding strand, the complement: ALPK2 is on the minus strand). VCF-style: chr18-58536037-C-T. GRCh37 (hg19) VCF-style: chr18-56203269-C-T.
Other names: short protein forms D1384N.
Identifiers: ClinVar variation 1738263 (VCV001738263.3), dbSNP rs1027674144, ClinGen allele CA300926698.

ClinVar aggregate classification (germline): Uncertain significance (1 of 4 stars; one submission).

Allele frequency attached by ClinVar (database versions not stated): gnomAD exomes below 0.00001; TOPMed 0.00001.
gnomAD v4.1: 1 of 1,614,180 alleles (0.000062%); highest among the groups gnomAD compares: Admixed American, 0.0017%; no homozygotes.

Submission:

Ambry Genetics
Classification: Uncertain significance. Last evaluated: 2024-08-17. Review status: criteria provided, single submitter. Criteria: Ambry Variant Classification Scheme 2023. Collection method: clinical testing. Allele origin: germline.
Comment: The p.D1384N variant (also known as c.4150G>A), located in coding exon 4 of the ALPK2 gene, results from a G to A substitution at nucleotide position 4150. The aspartic acid at codon 1384 is replaced by asparagine, an amino acid with highly similar properties. This amino acid position is conserved. In addition, this alteration is predicted to be tolerated by in silico analysis. Since supporting evidence is limited at this time, the clinical significance of this alteration remains unclear.